The following is an entry in ClinVar:

NM_001111125.3(IQSEC2):c.4390T>C (p.Ser1464Pro)

Gene: IQSEC2 (IQ motif and Sec7 domain ArfGEF 2; minus strand). Cytogenetic location: Xp11.22.
Variant type: single nucleotide variant.
Coding change: c.4390T>C on transcript NM_001111125.3 (MANE Select); coding-DNA position 4390, T replaced by C.
Protein change: p.Ser1464Pro; replaces serine 1464 with proline.
Molecular consequence: missense variant. On other transcripts: 3 prime UTR variant (1).
Genome position (GRCh38, 1-based): chrX:53,234,296, A>G on the plus strand (T>C on the coding strand, the complement: IQSEC2 is on the minus strand). VCF-style: chrX-53234296-A-G. GRCh37 (hg19) VCF-style: chrX-53263478-A-G.
Other names: c.*875T>C (NM_015075.2); short protein forms S1464P.
Identifiers: ClinVar variation 1403436 (VCV001403436.8), dbSNP rs1602256252, ClinGen allele CA413138455.

ClinVar aggregate classification (germline): Uncertain significance (1 of 4 stars; one submission).

Conditions:
Intellectual developmental disorder, X-linked 1. Also called: Atkin Flaitz Patil Smith syndrome; Intellectual disability, X-linked 1; MENTAL RETARDATION, X-LINKED 18; MENTAL RETARDATION, X-LINKED 78. Identifiers: Orphanet 777, MedGen C2931498, MONDO:0010656, OMIM 309530.

Submission:

Labcorp Genetics (formerly Invitae), Labcorp
Classification: Uncertain significance for Intellectual developmental disorder, X-linked 1. Last evaluated: 2022-08-23. Review status: criteria provided, single submitter. Criteria: Invitae Variant Classification Sherloc (09022015). Collection method: clinical testing. Allele origin: germline.
Comment: This variant has not been reported in the literature in individuals affected with IQSEC2-related conditions. This variant is not present in population databases (gnomAD no frequency). This sequence change replaces serine, which is neutral and polar, with proline, which is neutral and non-polar, at codon 1464 of the IQSEC2 protein (p.Ser1464Pro). ClinVar contains an entry for this variant (Variation ID: 1403436). In summary, the available evidence is currently insufficient to determine the role of this variant in disease. Therefore, it has been classified as a Variant of Uncertain Significance. Advanced modeling of protein sequence and biophysical properties (such as structural, functional, and spatial information, amino acid conservation, physicochemical variation, residue mobility, and thermodynamic stability) performed at Invitae indicates that this missense variant is not expected to disrupt IQSEC2 protein function.